The following is an entry in ClinVar:

ClinVar aggregate classification (germline): Conflicting classifications of pathogenicity. Review status: criteria provided, conflicting classifications (1 of 4 stars). 4 submissions from 4 submitters: Uncertain significance (2); Likely benign (1). 1 of the submissions does not count toward it. Last evaluated 2026-01-05.

Conditions:
Hermansky-Pudlak syndrome 3 (HPS3). Identifiers: Orphanet 231512, Orphanet 79430, MedGen C3888001, MONDO:0013555, OMIM 614072.

Allele frequency attached by ClinVar (database versions not stated): gnomAD 0.00005 and 0.00008; ExAC 0.00006; gnomAD exomes 0.00006; TOPMed 0.00006; 1000 Genomes Project 30x 0.00031; 1000 Genomes Project 0.00040.
gnomAD v4.1: 225 of 1,614,150 alleles (0.014%); highest among the groups gnomAD compares: East Asian, 0.49%; 1 homozygote.

Submissions (5):

Labcorp Genetics (formerly Invitae), Labcorp
Classification: Uncertain significance. Last evaluated: 2026-01-05. Review status: criteria provided, single submitter. Criteria: Invitae Variant Classification Sherloc (09022015). Collection method: clinical testing. Allele origin: germline.
Comment: This sequence change replaces histidine, which is basic and polar, with arginine, which is basic and polar, at codon 226 of the HPS3 protein (p.His226Arg). This variant is present in population databases (rs188661079, gnomAD 0.07%). This variant has not been reported in the literature in individuals affected with HPS3-related conditions. ClinVar contains an entry for this variant (Variation ID: 903115). Invitae Evidence Modeling of protein sequence and biophysical properties (such as structural, functional, and spatial information, amino acid conservation, physicochemical variation, residue mobility, and thermodynamic stability) indicates that this missense variant is not expected to disrupt HPS3 protein function with a negative predictive value of 80%. In summary, the available evidence is currently insufficient to determine the role of this variant in disease. Therefore, it has been classified as a Variant of Uncertain Significance.

Blueprint Genetics
Classification: Likely benign. Last evaluated: 2024-07-29. Review status: criteria provided, single submitter. Criteria: ACMG Guidelines, 2015. Collection method: clinical testing. Allele origin: germline.

Illumina Laboratory Services, Illumina
Classification: Uncertain significance for Hermansky-Pudlak syndrome 3. Last evaluated: 2018-01-13. Review status: criteria provided, single submitter. Criteria: ICSL Variant Classification Criteria 13 December 2019. Collection method: clinical testing. Allele origin: germline.

Zotz-Klimas Genetics Lab, MVZ Zotz Klimas
Classification: Uncertain significance for Hermansky-Pudlak syndrome 3. Last evaluated: 2023-10-30. Review status: no assertion criteria provided. Collection method: clinical testing. Allele origin: germline. Affected: yes. Not counted in ClinVar's aggregate classification.

Dr. Peter K. Rogan Lab, Western University
No classification provided (evidence only). Condition: Ovarian serous cystadenocarcinoma. Review status: no classification provided. Collection method: in vitro. Allele origin: not applicable. Functional consequence: retained intron. Not counted in ClinVar's aggregate classification.

NM_032383.5(HPS3):c.677A>G (p.His226Arg)

Gene: HPS3 (HPS3 biogenesis of lysosomal organelles complex 2 subunit 1; plus strand). Cytogenetic location: 3q24.
Variant type: single nucleotide variant.
Coding change: c.677A>G on transcript NM_032383.5 (MANE Select); coding-DNA position 677, A replaced by G.
Protein change: p.His226Arg; replaces histidine 226 with arginine.
Molecular consequence: missense variant. On other transcripts: intron variant (1).
Genome position (GRCh38, 1-based): chr3:149,140,463, A>G. VCF-style: chr3-149140463-A-G. GRCh37 (hg19) VCF-style: chr3-148858250-A-G.
Other names: c.218-554A>G (NM_001308258.2); short protein forms H226R.
Identifiers: ClinVar variation 903115 (VCV000903115.9), dbSNP rs188661079, ClinGen allele CA2659849.
Genomic context (GRCh38, chr3:149,140,463, plus strand): 5'-TCTTAATCGTAAAACTGGAGTCAGGCCCTAAAAATGGAGAGAGAGTTCACCACCATCCAC[A>G]TAAGACCAACAATCGAATAAGACGGACAGAAGAAGGTAAATAATGAATTTGACTTGCTTT-3'
Protein context (NP_115759.2, residues 216-236): KNGERVHHHP[His226Arg]KTNNRIRRTE